The following is an entry in ClinVar:

NM_024700.4(SNIP1):c.188C>G (p.Ser63Trp)

Genes: SNIP1 (Smad nuclear interacting protein 1; minus strand), LOC129930156 (ATAC-STARR-seq lymphoblastoid silent region 673; plus strand). Cytogenetic location: 1p34.3.
Variant type: single nucleotide variant.
Coding change: c.188C>G on transcript NM_024700.4 (MANE Select); coding-DNA position 188, C replaced by G.
Protein change: p.Ser63Trp; replaces serine 63 with tryptophan.
Molecular consequence: missense variant.
Genome position (GRCh38, 1-based): chr1:37,554,042, G>C on the plus strand (C>G on the coding strand, the complement: SNIP1 is on the minus strand). VCF-style: chr1-37554042-G-C. GRCh37 (hg19) VCF-style: chr1-38019643-G-C.
Other names: short protein forms S63W.
Identifiers: ClinVar variation 2694334 (VCV002694334.3), dbSNP rs2148118826, ClinGen allele CA339429775.

ClinVar aggregate classification (germline): Uncertain significance (1 of 4 stars; one submission).

Submission:

Labcorp Genetics (formerly Invitae), Labcorp
Classification: Uncertain significance. Last evaluated: 2023-11-08. Review status: criteria provided, single submitter. Criteria: Invitae Variant Classification Sherloc (09022015). Collection method: clinical testing. Allele origin: germline.
Comment: This sequence change replaces serine, which is neutral and polar, with tryptophan, which is neutral and slightly polar, at codon 63 of the SNIP1 protein (p.Ser63Trp). This variant is not present in population databases (gnomAD no frequency). This variant has not been reported in the literature in individuals affected with SNIP1-related conditions. An algorithm developed to predict the effect of missense changes on protein structure and function (PolyPhen-2) suggests that this variant is likely to be tolerated. In summary, the available evidence is currently insufficient to determine the role of this variant in disease. Therefore, it has been classified as a Variant of Uncertain Significance.